The following is an entry in ClinVar:

ClinVar aggregate classification (germline): Uncertain significance. Review status: criteria provided, multiple submitters, no conflicts (2 of 4 stars). 2 submissions from 2 submitters: Uncertain significance (2). Last evaluated 2024-06-24.

Conditions:
Familial hypocalciuric hypercalcemia (FHH). Also called: Familial benign hypercalcemia. Identifiers: Orphanet 405, MedGen C1809471, MONDO:0018458.
Autosomal dominant hypocalcemia 1 (HYPOC1). Also called: HYPOCALCEMIA, FAMILIAL. Identifiers: MedGen C3715128, MONDO:0011013, OMIM 601198.
Nephrolithiasis/nephrocalcinosis. Identifiers: MedGen CN580796.

Allele frequency attached by ClinVar (database versions not stated): gnomAD exomes below 0.00001; TOPMed below 0.00001; ExAC 0.00001.
gnomAD v4.1: 3 of 1,614,244 alleles (0.00019%); highest among the groups gnomAD compares: South Asian, 0.0033%; no homozygotes.

Submissions (2):

Labcorp Genetics (formerly Invitae), Labcorp
Classification: Uncertain significance for Familial hypocalciuric hypercalcemia; Autosomal dominant hypocalcemia 1. Last evaluated: 2024-06-24. Review status: criteria provided, single submitter. Criteria: Invitae Variant Classification Sherloc (09022015). Collection method: clinical testing. Allele origin: germline.
Comment: This sequence change replaces proline, which is neutral and non-polar, with threonine, which is neutral and polar, at codon 1012 of the CASR protein (p.Pro1012Thr). This variant is present in population databases (rs763977493, gnomAD 0.003%). This variant has not been reported in the literature in individuals affected with CASR-related conditions. ClinVar contains an entry for this variant (Variation ID: 463946). An algorithm developed to predict the effect of missense changes on protein structure and function (PolyPhen-2) suggests that this variant is likely to be tolerated. In summary, the available evidence is currently insufficient to determine the role of this variant in disease. Therefore, it has been classified as a Variant of Uncertain Significance.

Ambry Genetics
Classification: Uncertain significance for Nephrolithiasis/nephrocalcinosis. Last evaluated: 2021-10-03. Review status: criteria provided, single submitter. Criteria: Ambry Variant Classification Scheme 2023. Collection method: clinical testing. Allele origin: germline.
Comment: The p.P1012T variant (also known as c.3034C>A), located in coding exon 6 of the CASR gene, results from a C to A substitution at nucleotide position 3034. The proline at codon 1012 is replaced by threonine, an amino acid with highly similar properties. This amino acid position is conserved. In addition, this alteration is predicted to be tolerated by in silico analysis. Since supporting evidence is limited at this time, the clinical significance of this alteration remains unclear.

NM_000388.4(CASR):c.3034C>A (p.Pro1012Thr)

Gene: CASR (calcium sensing receptor; plus strand). Cytogenetic location: 3q21.1.
Variant type: single nucleotide variant.
Coding change: c.3034C>A on transcript NM_000388.4 (MANE Select); coding-DNA position 3034, C replaced by A.
Protein change: p.Pro1012Thr; replaces proline 1012 with threonine.
Molecular consequence: missense variant.
Genome position (GRCh38, 1-based): chr3:122,284,988, C>A. VCF-style: chr3-122284988-C-A. GRCh37 (hg19) VCF-style: chr3-122003835-C-A.
Other names: c.3064C>A, p.Pro1022Thr (NM_001178065.2); short protein forms P1012T, P1022T.
Identifiers: ClinVar variation 463946 (VCV000463946.12), dbSNP rs763977493, ClinGen allele CA2569918.